The following is an entry in ClinVar:

ClinVar aggregate classification (germline): Uncertain significance. Review status: criteria provided, multiple submitters, no conflicts (2 of 4 stars). 5 submissions from 5 submitters: Uncertain significance (5). Last evaluated 2024-11-12.

Conditions:
Cardiovascular phenotype. Identifiers: MedGen CN230736.
Arrhythmogenic right ventricular cardiomyopathy (ARVD). Also called: Arrhythmogenic cardiomyopathy; Arrhythmogenic Right Ventricular Cardiomyopathy (ARVC); Cardiomyopathy, ARVC; Arrhythmogenic right ventricular dysplasia. Identifiers: Orphanet 247, MedGen C0349788, MeSH D019571, MONDO:0016587. Disease mechanism: loss of function. Inheritance: Various modes of inheritance.
Cardiomyopathy (CMYO). Also called: Cardiomyopathies. Identifiers: Orphanet 167848, MedGen C0878544, MONDO:0004994, HP:0001638. Inheritance: Various modes of inheritance.
Arrhythmogenic right ventricular dysplasia 9 (ARVD9). Also called: Arrhythmogenic Right Ventricular Dysplasia/Cardiomyopathy 9; ARRHYTHMOGENIC RIGHT VENTRICULAR DYSPLASIA, FAMILIAL, 9. Identifiers: MedGen C1836906, MONDO:0012180, OMIM 609040.

Allele frequency attached by ClinVar (database versions not stated): TOPMed 0.00001.
gnomAD v4.1: 2 of 1,613,828 alleles (0.00012%); highest among the groups gnomAD compares: African/African-American, 0.0027%; no homozygotes.

Submissions (5):

Labcorp Genetics (formerly Invitae), Labcorp
Classification: Uncertain significance for Arrhythmogenic right ventricular dysplasia 9. Last evaluated: 2024-11-12. Review status: criteria provided, single submitter. Criteria: Invitae Variant Classification Sherloc (09022015). Collection method: clinical testing. Allele origin: germline.
Comment: This sequence change replaces lysine, which is basic and polar, with arginine, which is basic and polar, at codon 516 of the PKP2 protein (p.Lys516Arg). This variant is not present in population databases (gnomAD no frequency). This variant has not been reported in the literature in individuals affected with PKP2-related conditions. ClinVar contains an entry for this variant (Variation ID: 201985). An algorithm developed to predict the effect of missense changes on protein structure and function (PolyPhen-2) suggests that this variant is likely to be disruptive. In summary, the available evidence is currently insufficient to determine the role of this variant in disease. Therefore, it has been classified as a Variant of Uncertain Significance.

GeneDx
Classification: Uncertain significance. Last evaluated: 2024-10-29. Review status: criteria provided, single submitter. Criteria: GeneDx Variant Classification Process June 2021. Collection method: clinical testing. Allele origin: germline. Affected: yes.
Comment: p.Lys516Arg (AAG>AGG): c.1547 A>G in exon 7 of the PKP2 gene (NM_004572.3). It has not been published as a mutation, nor has it been reported as a benign polymorphism to our knowledge. The K526R variant was not observed in approximately 6,500 individuals of European and African American ancestry in the NHLBI Exome Sequencing Project, indicating it is not a common benign variant in these populations. The K526R variant is a conservative amino acid substitution, which is not likely to impact secondary protein structure as these residues share similar properties. However, this substitution occurs at a position that is conserved across species. In silico analysis predicts this variant is probably damaging to the protein structure/function. A missense mutation in a nearby residue (T526M) has been reported in association with ARVC, supporting the functional importance of this region of the protein. Therefore, this variant is a strong candidate for a pathogenic mutation, however the possibility that it is a benign variant cannot be excluded. The variant is found in ARRHYTHMIA panel(s).

All of Us Research Program, National Institutes of Health
Classification: Uncertain significance for Arrhythmogenic right ventricular cardiomyopathy. Last evaluated: 2024-05-09. Review status: criteria provided, single submitter. Criteria: ACMG Guidelines, 2015. Collection method: clinical testing. Allele origin: germline. Inheritance: Autosomal dominant inheritance. Observed: 1 variant allele, 1 heterozygote.
Comment: This missense variant replaces lysine with arginine at codon 516 of the PKP2 protein. Computational prediction tools and conservation analyses suggest that this variant may have deleterious impact on the protein function. Computational splicing tools suggest that this variant may not impact RNA splicing. To our knowledge, functional assays have not been performed for this variant nor has this variant been reported in individuals affected with cardiovascular disorders in the literature. This variant has not been identified in the general population by the Genome Aggregation Database (gnomAD). Available evidence is insufficient to determine the role of this variant in disease conclusively. Therefore, this variant is classified as a Variant of Uncertain Significance.

This study involves interpretation of variants in research participants for the purpose of population health screening. Participant phenotype was not available at the time of variant classification. Additional details can be found in publication PMID: 35346344, PMCID: PMC8962531

Ambry Genetics
Classification: Uncertain significance for Cardiovascular phenotype. Last evaluated: 2021-06-24. Review status: criteria provided, single submitter. Criteria: Ambry Variant Classification Scheme 2023. Collection method: clinical testing. Allele origin: germline.
Comment: The p.K516R variant (also known as c.1547A>G), located in coding exon 7 of the PKP2 gene, results from an A to G substitution at nucleotide position 1547. The lysine at codon 516 is replaced by arginine, an amino acid with highly similar properties. This amino acid position is highly conserved in available vertebrate species. In addition, the in silico prediction for this alteration is inconclusive. Since supporting evidence is limited at this time, the clinical significance of this alteration remains unclear.

Color Diagnostics, LLC DBA Color Health
Classification: Uncertain significance for Cardiomyopathy. Last evaluated: 2019-06-24. Review status: criteria provided, single submitter. Criteria: ACMG Guidelines, 2015. Collection method: clinical testing. Allele origin: germline.
Comment: This missense variant replaces lysine with arginine at codon 516 of the PKP2 protein. Computational prediction tools and conservation analyses suggest that this variant may have deleterious impact on the protein function. Computational splicing tools suggest that this variant may not impact RNA splicing. To our knowledge, functional assays have not been performed for this variant nor has this variant been reported in individuals affected with cardiovascular disorders in the literature. This variant has not been identified in the general population by the Genome Aggregation Database (gnomAD). Available evidence is insufficient to determine the role of this variant in disease conclusively. Therefore, this variant is classified as a Variant of Uncertain Significance.

NM_001005242.3(PKP2):c.1415A>G (p.Lys472Arg)

Gene: PKP2 (plakophilin 2; minus strand). Cytogenetic location: 12p11.21.
Variant type: single nucleotide variant.
Coding change: c.1415A>G on transcript NM_001005242.3 (MANE Select); coding-DNA position 1415, A replaced by G.
Protein change: p.Lys472Arg; replaces lysine 472 with arginine.
Molecular consequence: missense variant.
Genome position (GRCh38, 1-based): chr12:32,841,169, T>C on the plus strand (A>G on the coding strand, the complement: PKP2 is on the minus strand). VCF-style: chr12-32841169-T-C. GRCh37 (hg19) VCF-style: chr12-32994103-T-C.
Other names: p.K516R:AAG>AGG; c.1547A>G, p.Lys516Arg (NM_004572.4); short protein forms K516R, K472R.
Identifiers: ClinVar variation 201985 (VCV000201985.18), dbSNP rs749926313, ClinGen allele CA011123.
Genomic context (GRCh38, chr12:32,841,169, plus strand): 5'-GAAAAGGGGATGATGATATTCTCCGTCAGCGTAAGCAATGCTTCTGTTATCATGAGATTC[T>C]TGAGTTTGTCATTAGATGACAAATTCCACAGCAAACCTAGAAAAGCACAGAGTTACCATG-3'
Protein context (NP_001005242.2, residues 462-482): LWNLSSNDKL[Lys472Arg]NLMITEALLT